The following is an entry in ClinVar:

NM_018975.4(TERF2IP):c.638C>A (p.Ala213Glu)

Gene: TERF2IP (TERF2 interacting protein; plus strand). Cytogenetic location: 16q23.1.
Variant type: single nucleotide variant.
Coding change: c.638C>A on transcript NM_018975.4 (MANE Select); coding-DNA position 638, C replaced by A.
Protein change: p.Ala213Glu; replaces alanine 213 with glutamic acid.
Molecular consequence: missense variant. On other transcripts: non-coding transcript variant (1).
Genome position (GRCh38, 1-based): chr16:75,648,520, C>A. VCF-style: chr16-75648520-C-A. GRCh37 (hg19) VCF-style: chr16-75682418-C-A.
Other names: short protein forms A213E.
Identifiers: ClinVar variation 3325469 (VCV003325469.1).

ClinVar aggregate classification (germline): Uncertain significance (1 of 4 stars; one submission).

Submission:

Ambry Genetics
Classification: Uncertain significance. Last evaluated: 2024-06-02. Review status: criteria provided, single submitter. Criteria: Ambry Variant Classification Scheme 2023. Collection method: clinical testing. Allele origin: germline.
Comment: The p.A213E variant (also known as c.638C>A), located in coding exon 1 of the TERF2IP gene, results from a C to A substitution at nucleotide position 638. The alanine at codon 213 is replaced by glutamic acid, an amino acid with dissimilar properties. This amino acid position is conserved. In addition, this alteration is predicted to be tolerated by in silico analysis. Based on the available evidence, the clinical significance of this variant remains unclear.